The following is an entry in ClinVar:

NM_005068.3(SIM1):c.458-8T>A

Gene: SIM1 (SIM bHLH transcription factor 1; minus strand). Cytogenetic location: 6q16.3.
Variant type: single nucleotide variant.
Coding change: c.458-8T>A on transcript NM_005068.3 (MANE Select); 8 bases into the intron before coding-DNA position 458, T replaced by A.
Molecular consequence: intron variant.
Genome position (GRCh38, 1-based): chr6:100,449,456, A>T on the plus strand (T>A on the coding strand, the complement: SIM1 is on the minus strand). VCF-style: chr6-100449456-A-T. GRCh37 (hg19) VCF-style: chr6-100897332-A-T.
Other names: c.458-8T>A (NM_001374769.1).
Identifiers: ClinVar variation 3358402 (VCV003358402.1).

ClinVar aggregate classification (germline): Likely benign (0 of 4 stars; one submission).

Conditions:
SIM1-related disorder. Also called: SIM1-related condition; SIM1-related disorders.

Submission:

PreventionGenetics, part of Exact Sciences
Classification: Likely benign for SIM1-related condition. Last evaluated: 2021-02-16. Review status: no assertion criteria provided. Collection method: clinical testing. Allele origin: germline.
Comment: This variant is classified as likely benign based on ACMG/AMP sequence variant interpretation guidelines (Richards et al. 2015 PMID: 25741868, with internal and published modifications).